The following is an entry in ClinVar:

ClinVar aggregate classification (germline): Uncertain significance. Review status: criteria provided, multiple submitters, no conflicts (2 of 4 stars). 2 submissions from 2 submitters: Uncertain significance (2). Last evaluated 2025-07-29.

Conditions:
Familial melanoma. Also called: Hereditary melanoma; Hereditary cutaneous melanoma. Identifiers: Orphanet 618, MedGen C1512419, MONDO:0018961.
Hereditary cancer-predisposing syndrome. Also called: Hereditary Cancer Syndrome; Neoplastic Syndromes, Hereditary; Tumor predisposition; Hereditary neoplastic syndrome. Identifiers: Orphanet 140162, MedGen C0027672, MeSH D009386, MONDO:0015356.

Submissions (2):

Ambry Genetics
Classification: Uncertain significance for Hereditary cancer-predisposing syndrome. Last evaluated: 2025-07-29. Review status: criteria provided, single submitter. Criteria: Ambry Variant Classification Scheme 2023. Collection method: clinical testing. Allele origin: germline.
Comment: The p.P64L variant (also known as c.191C>T), located in coding exon 1 of the CDKN2A (p14ARF) gene, results from a C to T substitution at nucleotide position 191. The proline at codon 64 is replaced by leucine, an amino acid with similar properties. This amino acid position is well conserved in available vertebrate species. Based on the available evidence, the clinical significance of this variant remains unclear.

Labcorp Genetics (formerly Invitae), Labcorp
Classification: Uncertain significance for Familial melanoma. Last evaluated: 2021-07-13. Review status: criteria provided, single submitter. Criteria: Invitae Variant Classification Sherloc (09022015). Collection method: clinical testing. Allele origin: germline.

NM_058195.4(CDKN2A):c.191C>T (p.Pro64Leu)

Gene: CDKN2A (cyclin dependent kinase inhibitor 2A; minus strand). Cytogenetic location: 9p21.3.
Variant type: single nucleotide variant.
Coding change: c.191C>T on transcript NM_058195.4 (MANE Plus Clinical); coding-DNA position 191, C replaced by T.
Protein change: p.Pro64Leu; replaces proline 64 with leucine.
Molecular consequence: missense variant. On other transcripts: intron variant (1).
Genome position (GRCh38, 1-based): chr9:21,994,141, G>A on the plus strand (C>T on the coding strand, the complement: CDKN2A is on the minus strand). VCF-style: chr9-21994141-G-A. GRCh37 (hg19) VCF-style: chr9-21994140-G-A.
Other names: c.-4+680C>T (NM_001363763.2); short protein forms P64L.
Identifiers: ClinVar variation 579727 (VCV000579727.6), dbSNP rs1348413029, ClinGen allele CA373086765.